The following is an entry in ClinVar:

NM_001754.5(RUNX1):c.1415T>C (p.Leu472Pro)

Gene: RUNX1 (RUNX family transcription factor 1; minus strand). Cytogenetic location: 21q22.12.
Variant type: single nucleotide variant.
Coding change: c.1415T>C on transcript NM_001754.5 (MANE Select); coding-DNA position 1415, T replaced by C.
Protein change: p.Leu472Pro; replaces leucine 472 with proline.
Molecular consequence: missense variant.
Genome position (GRCh38, 1-based): chr21:34,792,163, A>G on the plus strand (T>C on the coding strand, the complement: RUNX1 is on the minus strand). VCF-style: chr21-34792163-A-G. GRCh37 (hg19) VCF-style: chr21-36164460-A-G.
Other names: NM_001754.5(RUNX1):c.1415T>C; p.Leu472Pro; c.1334T>C, p.Leu445Pro (NM_001001890.3); short protein forms L472P, L445P.
Identifiers: ClinVar variation 463984 (VCV000463984.25), dbSNP rs764689239, ClinGen allele CA10014174.

ClinVar aggregate classification (germline): Benign. Review status: reviewed by expert panel (3 of 4 stars). 8 submissions from 8 submitters: Benign (1). 7 of the submissions do not count toward it. Last evaluated 2022-04-08.

Conditions:
RUNX1-related disorder. Also called: RUNX1-related condition.
Hereditary thrombocytopenia and hematologic cancer predisposition syndrome. Identifiers: Orphanet 71290, MedGen CN281654, MONDO:0011071.
Inborn genetic diseases. Identifiers: MedGen C0950123, MeSH D030342.
Hereditary thrombocytopenia and hematological cancer predisposition syndrome associated with RUNX1. Also called: Familial Platelet Disorder with Propensity to Acute Myelogenous Leukemia; PLATELET DISORDER, ASPIRIN-LIKE; Familial thrombocytopenia with propensity to acute myelogenous leukemia; RUNX1 Familial Platelet Disorder with Associated Myeloid Malignancies. Identifiers: Orphanet 71290, MedGen C1832388, MeSH C563324, MONDO:0100083, OMIM 601399.

Allele frequency attached by ClinVar (database versions not stated): gnomAD 0.00002 and 0.00008; TOPMed 0.00003; gnomAD exomes 0.00019 and 0.00020; ExAC 0.00132.
gnomAD v4.1: 267 of 1,515,820 alleles (0.018%); highest among the groups gnomAD compares: East Asian, 0.63%; 2 homozygotes.

Submissions (8):

ClinGen Myeloid Malignancy Variant Curation Expert Panel
Classification: Benign for Hereditary thrombocytopenia and hematologic cancer predisposition syndrome. Last evaluated: 2022-04-08. Review status: reviewed by expert panel. Criteria: ClinGen MyeloMalig ACMG Specifications v2. Collection method: curation. Allele origin: germline. Inheritance: Autosomal dominant inheritance.
Comment: NM_001754.5(RUNX1):c.1415T>C (p.Leu472Pro) is a missense variant in the final exon of the protein. MAF of 0.002289 (0.2289%, 23/10046 alleles, gnomad v2.11) in South East Asian population: cohort is ≥ 0.0015 (0.15%) (BA1). The REVEL score= 0.414 (≤0.50) and SpliceAI is ≤0.20 (0.00) (BP4). In summary, this variant meets the criteria to be classified as benign. ACMG/AMP criteria applied, as specified by the Myeloid Malignancy Variant Curation Expert Panel for RUNX1: BA1, BP4

PreventionGenetics, part of Exact Sciences
Classification: Benign for RUNX1-related condition. Last evaluated: 2026-02-16. Review status: criteria provided, single submitter. Criteria: ACMG Guidelines, 2015. Collection method: clinical testing. Allele origin: germline. Not counted in ClinVar's aggregate classification.
Comment: This variant is classified as benign based on ACMG/AMP sequence variant interpretation guidelines (Richards et al. 2015 PMID: 25741868, with internal and published modifications).

Labcorp Genetics (formerly Invitae), Labcorp
Classification: Likely benign for Hereditary thrombocytopenia and hematological cancer predisposition syndrome associated with RUNX1. Last evaluated: 2026-02-01. Review status: criteria provided, single submitter. Criteria: Invitae Variant Classification Sherloc (09022015). Collection method: clinical testing. Allele origin: germline. Not counted in ClinVar's aggregate classification.

Blueprint Genetics
Classification: Likely benign. Last evaluated: 2024-11-07. Review status: criteria provided, single submitter. Criteria: ACMG Guidelines, 2015. Collection method: clinical testing. Allele origin: germline. Not counted in ClinVar's aggregate classification.

Ambry Genetics
Classification: Benign for Inborn genetic diseases. Last evaluated: 2024-08-20. Review status: criteria provided, single submitter. Criteria: Ambry Variant Classification Scheme 2023. Collection method: clinical testing. Allele origin: germline. Not counted in ClinVar's aggregate classification.

GeneDx
Classification: Uncertain significance. Last evaluated: 2023-12-01. Review status: criteria provided, single submitter. Criteria: GeneDx Variant Classification Process June 2021. Collection method: clinical testing. Allele origin: germline. Affected: yes. Not counted in ClinVar's aggregate classification.
Comment: In silico analysis supports that this missense variant has a deleterious effect on protein structure/function; This variant is associated with the following publications: (PMID: 28179279, 29937999, 23971860, 25159113, 37032134, 35341804, 31623479, 26884589, 37387499)

Genetic Services Laboratory, University of Chicago
Classification: Likely benign. Last evaluated: 2021-01-12. Review status: criteria provided, single submitter. Criteria: ACMG Guidelines, 2015. Collection method: clinical testing. Allele origin: germline. Affected: no. Not counted in ClinVar's aggregate classification.

Illumina Laboratory Services, Illumina
Classification: Benign for Hereditary thrombocytopenia and hematological cancer predisposition syndrome associated with RUNX1. Last evaluated: 2017-04-30. Review status: criteria provided, single submitter. Criteria: ICSL Variant Classification Criteria 13 December 2019. Collection method: clinical testing. Allele origin: germline. Not counted in ClinVar's aggregate classification.
Comment: This variant was observed as part of a predisposition screen in an ostensibly healthy population. A literature search was performed for the gene, cDNA change, and amino acid change (where applicable). Publications were found based on this search. The evidence from the literature, in combination with allele frequency data from public databases where available, was sufficient to rule this variant out of causing disease. Therefore, this variant is classified as benign.

Literature cited by the submitters: PubMed 28179279 (cited by Illumina Laboratory Services, Illumina); PubMed 25159113 (cited by Illumina Laboratory Services, Illumina).